The following is an entry in ClinVar:

ClinVar aggregate classification (germline): Uncertain significance (1 of 4 stars; one submission).

Conditions:
Familial thoracic aortic aneurysm and aortic dissection (TAAD). Also called: Thoracic aortic aneurysms and dissections. Identifiers: Orphanet 91387, MedGen C4707243, MONDO:0019625.

Submission:

Labcorp Genetics (formerly Invitae), Labcorp
Classification: Uncertain significance for Familial thoracic aortic aneurysm and aortic dissection. Last evaluated: 2024-11-22. Review status: criteria provided, single submitter. Criteria: Invitae Variant Classification Sherloc (09022015). Collection method: clinical testing. Allele origin: germline.
Comment: This sequence change creates a premature translational stop signal (p.Cys51*) in the TGFBR2 gene. It is expected to result in an absent or disrupted protein product. However, the current clinical and genetic evidence is not sufficient to establish whether loss-of-function variants in TGFBR2 cause disease. This variant is not present in population databases (gnomAD no frequency). This premature translational stop signal has been observed in individual(s) with thoracic aortic aneurysm and dissection (internal data). In summary, the available evidence is currently insufficient to determine the role of this variant in disease. Therefore, it has been classified as a Variant of Uncertain Significance.

NM_003242.6(TGFBR2):c.153T>A (p.Cys51Ter)

Gene: TGFBR2 (transforming growth factor beta receptor 2; plus strand). Cytogenetic location: 3p24.1.
Variant type: single nucleotide variant.
Coding change: c.153T>A on transcript NM_003242.6 (MANE Select); coding-DNA position 153, T replaced by A.
Protein change: p.Cys51Ter; replaces cysteine 51 with a stop codon.
Molecular consequence: nonsense. On other transcripts: intron variant (2).
Genome position (GRCh38, 1-based): chr3:30,644,805, T>A. VCF-style: chr3-30644805-T-A. GRCh37 (hg19) VCF-style: chr3-30686297-T-A.
Other names: c.228T>A, p.Cys76Ter (NM_001024847.3, NM_001407126.1, NM_001407139.1); c.153T>A, p.Cys51Ter (NM_001407127.1, NM_001407130.1); c.180T>A, p.Cys60Ter (NM_001407128.1); c.48T>A, p.Cys16Ter (NM_001407129.1, NM_001407132.1, NM_001407133.1 and 3 more transcripts); c.169+21532T>A (NM_001407137.1); c.95-26833T>A (NM_001407138.1); short protein forms C16*, C51*, C60*, C76*.
Identifiers: ClinVar variation 3725816 (VCV003725816.2).